The following is an entry in ClinVar:

NM_001008537.3(NEXMIF):c.1433_1435delinsT (p.Tyr478fs)

Gene: NEXMIF (neurite extension and migration factor; minus strand). Cytogenetic location: Xq13.3.
Variant type: Indel.
Coding change: c.1433_1435delinsT on transcript NM_001008537.3 (MANE Select); coding-DNA positions 1433 to 1435, ATG replaced by T.
Protein change: p.Tyr478fs; shifts the reading frame from tyrosine 478.
Molecular consequence: frameshift variant.
Genome position (GRCh38, 1-based): chrX:74,743,122-74,743,124, CAT replaced by A on the plus strand (ATG replaced by T on the coding strand, the reverse complement: NEXMIF is on the minus strand). VCF-style: chrX-74743122-CAT-A. GRCh37 (hg19) VCF-style: chrX-73962957-CAT-A.
Other names: short protein forms Y478fs.
Identifiers: ClinVar variation 3251230 (VCV003251230.18), dbSNP rs2519915380.

ClinVar aggregate classification (germline): Pathogenic (1 of 4 stars; one submission).

Submission:

CeGaT Center for Human Genetics Tuebingen
Classification: Pathogenic. Last evaluated: 2024-06-01. Review status: criteria provided, single submitter. Criteria: CeGaT Center For Human Genetics Tuebingen Variant Classification Criteria Version 2. Collection method: clinical testing. Allele origin: germline. Affected: yes. Observed: 1 variant allele.
Comment: NEXMIF: PVS1, PM2